The following is an entry in ClinVar:

NM_001330360.2(POLA1):c.3739C>T (p.Leu1247Phe)

Gene: POLA1 (DNA polymerase alpha 1, catalytic subunit; plus strand). Cytogenetic location: Xp22.11.
Variant type: single nucleotide variant.
Coding change: c.3739C>T on transcript NM_001330360.2 (MANE Select); coding-DNA position 3739, C replaced by T.
Protein change: p.Leu1247Phe; replaces leucine 1247 with phenylalanine.
Molecular consequence: missense variant. On other transcripts: non-coding transcript variant (2).
Genome position (GRCh38, 1-based): chrX:24,841,654, C>T. VCF-style: chrX-24841654-C-T. GRCh37 (hg19) VCF-style: chrX-24859771-C-T.
Other names: c.3664C>T, p.Leu1222Phe (NM_001378303.1); c.3721C>T, p.Leu1241Phe (NM_016937.4); short protein forms L1247F, L1241F, L1222F.
Identifiers: ClinVar variation 2884526 (VCV002884526.3), dbSNP rs1417439992, ClinGen allele CA412607906.

ClinVar aggregate classification (germline): Uncertain significance (1 of 4 stars; one submission).

Allele frequency attached by ClinVar (database versions not stated): gnomAD 0.00003; TOPMed 0.00003; gnomAD exomes 0.00004.
gnomAD v4.1: 47 of 1,153,684 alleles (0.0041%); highest among the groups gnomAD compares: Non-Finnish European, 0.005%; no homozygotes.

Submission:

Labcorp Genetics (formerly Invitae), Labcorp
Classification: Uncertain significance. Last evaluated: 2023-02-16. Review status: criteria provided, single submitter. Criteria: Invitae Variant Classification Sherloc (09022015). Collection method: clinical testing. Allele origin: germline.
Comment: In summary, the available evidence is currently insufficient to determine the role of this variant in disease. Therefore, it has been classified as a Variant of Uncertain Significance. An algorithm developed to predict the effect of missense changes on protein structure and function (PolyPhen-2) suggests that this variant is likely to be disruptive. This variant has not been reported in the literature in individuals affected with POLA1-related conditions. This variant is present in population databases (no rsID available, gnomAD 0.001%). This sequence change replaces leucine, which is neutral and non-polar, with phenylalanine, which is neutral and non-polar, at codon 1241 of the POLA1 protein (p.Leu1241Phe).